The following is an entry in ClinVar:

ClinVar aggregate classification (germline): Likely benign. Review status: criteria provided, multiple submitters, no conflicts (2 of 4 stars). 2 submissions from 2 submitters: Likely benign (2). Last evaluated 2024-01-31.

Conditions:
Catecholaminergic polymorphic ventricular tachycardia (CVPT). Also called: Catecholamine-induced polymorphic ventricular tachycardia. Identifiers: Orphanet 3286, MedGen C5574922, MONDO:0017990.
Catecholaminergic polymorphic ventricular tachycardia 1. Also called: VENTRICULAR TACHYCARDIA, STRESS-INDUCED POLYMORPHIC 1; VENTRICULAR TACHYCARDIA, CATECHOLAMINERGIC POLYMORPHIC, 1, WITH OR WITHOUT ATRIAL DYSFUNCTION AND/OR DILATED CARDIOMYOPATHY; RYR2-Related Catecholaminergic Polymorphic Ventricular Tachycardia. Identifiers: Orphanet 3286, MedGen C1631597, MONDO:0011484, OMIM 604772.

Allele frequency attached by ClinVar (database versions not stated): gnomAD 0.00001.
gnomAD v4.1: 7 of 1,595,022 alleles (0.00044%); highest among the groups gnomAD compares: African/African-American, 0.0027%; no homozygotes.

Submissions (2):

Labcorp Genetics (formerly Invitae), Labcorp
Classification: Likely benign for Catecholaminergic polymorphic ventricular tachycardia 1. Last evaluated: 2024-01-31. Review status: criteria provided, single submitter. Criteria: Invitae Variant Classification Sherloc (09022015). Collection method: clinical testing. Allele origin: germline.

All of Us Research Program, National Institutes of Health
Classification: Likely benign for Catecholaminergic polymorphic ventricular tachycardia. Last evaluated: 2023-12-01. Review status: criteria provided, single submitter. Criteria: ACMG Guidelines, 2015. Collection method: clinical testing. Allele origin: germline. Inheritance: Autosomal dominant inheritance. Observed: 2 variant alleles, 2 heterozygotes.
Comment: This study involves interpretation of variants in research participants for the purpose of population health screening. Participant phenotype was not available at the time of variant classification. Additional details can be found in publication PMID: 35346344, PMCID: PMC8962531

NM_001035.3(RYR2):c.7222-11C>T

Gene: RYR2 (ryanodine receptor 2; plus strand). Cytogenetic location: 1q43.
Variant type: single nucleotide variant.
Coding change: c.7222-11C>T on transcript NM_001035.3 (MANE Select); 11 bases into the intron before coding-DNA position 7222, C replaced by T.
Molecular consequence: intron variant.
Genome position (GRCh38, 1-based): chr1:237,643,316, C>T. VCF-style: chr1-237643316-C-T. GRCh37 (hg19) VCF-style: chr1-237806616-C-T.
Identifiers: ClinVar variation 2061381 (VCV002061381.5), dbSNP rs1284901839, ClinGen allele CA529546080.